The following is an entry in ClinVar:

NM_000138.5(FBN1):c.4277G>C (p.Gly1426Ala)

Genes: FBN1 (fibrillin 1; minus strand), LOC126862124 (CDK7 strongly-dependent group 2 enhancer GRCh37_chr15:48764566-48765765; plus strand). Cytogenetic location: 15q21.1.
Variant type: single nucleotide variant.
Coding change: c.4277G>C on transcript NM_000138.5 (MANE Select); coding-DNA position 4277, G replaced by C.
Protein change: p.Gly1426Ala; replaces glycine 1426 with alanine.
Molecular consequence: missense variant.
Genome position (GRCh38, 1-based): chr15:48,472,610, C>G on the plus strand (G>C on the coding strand, the complement: FBN1 is on the minus strand). VCF-style: chr15-48472610-C-G. GRCh37 (hg19) VCF-style: chr15-48764807-C-G.
Other names: short protein forms G1426A.
Identifiers: ClinVar variation 920374 (VCV000920374.12), dbSNP rs531751210, ClinGen allele CA052404.
Genomic context (GRCh38, chr15:48,472,610, plus strand): 5'-CCTTCACAGGCTTTCCCGTCAGCACTGGGCACGAAGCCCATGTCGCATTCACAGCGGTAT[C>G]CTCCTGGTGCATTGAGGCACTGGCCATTGCCACAGAGATTCAGGTTCTCAGAGCACTCAT-3'
Protein context (NP_000129.3, residues 1416-1436): GNGQCLNAPG[Gly1426Ala]YRCECDMGFV

ClinVar aggregate classification (germline): Uncertain significance. Review status: criteria provided, multiple submitters, no conflicts (2 of 4 stars). 3 submissions from 3 submitters: Uncertain significance (3). Last evaluated 2024-09-23.

Conditions:
Familial thoracic aortic aneurysm and aortic dissection (TAAD). Also called: Thoracic aortic aneurysms and dissections. Identifiers: Orphanet 91387, MedGen C4707243, MONDO:0019625.
Marfan syndrome (MFS). Also called: Marfan syndrome, classic; Marfan syndrome type 1; Marfan's syndrome; FBN1-Related Marfan Syndrome; MARFAN SYNDROME, TYPE I. Identifiers: Orphanet 284963, Orphanet 558, MedGen C0024796, MONDO:0007947, OMIM 154700.

Allele frequency attached by ClinVar (database versions not stated): gnomAD below 0.00001 and 0.00001; 1000 Genomes Project 30x 0.00016; ExAC 0.00002; gnomAD exomes 0.00001 and 0.00002; 1000 Genomes Project 0.00020.
gnomAD v4.1: 19 of 1,614,212 alleles (0.0012%); highest among the groups gnomAD compares: South Asian, 0.02%; 1 homozygote.

Submissions (3):

All of Us Research Program, National Institutes of Health
Classification: Uncertain significance for Marfan syndrome. Last evaluated: 2024-09-23. Review status: criteria provided, single submitter. Criteria: ACMG Guidelines, 2015. Collection method: clinical testing. Allele origin: germline. Inheritance: Autosomal dominant inheritance. Observed: 1 variant allele, 1 heterozygote.
Comment: Variant of Uncertain Significance due to insufficient evidence: This missense variant is located in the calcium-binding EGF-like motif 24 of the FBN1 protein. Computational prediction tools and conservation analyses suggest that this variant may have deleterious impact on the protein function. Computational splicing tools suggest that this variant may not impact RNA splicing. To our knowledge, functional assays have not been performed for this variant nor has this variant been reported in individuals affected with cardiovascular disorders in the literature. This variant has been identified in 6/277170 chromosomes in the general population by the Genome Aggregation Database (gnomAD). Available evidence is insufficient to determine the pathogenicity of this variant conclusively.

This study involves interpretation of variants in research participants for the purpose of population health screening. Participant phenotype was not available at the time of variant classification. Additional details can be found in publication PMID: 35346344, PMCID: PMC8962531

Labcorp Genetics (formerly Invitae), Labcorp
Classification: Uncertain significance for Marfan syndrome; Familial thoracic aortic aneurysm and aortic dissection. Last evaluated: 2023-01-17. Review status: criteria provided, single submitter. Criteria: Invitae Variant Classification Sherloc (09022015). Collection method: clinical testing. Allele origin: germline.
Comment: ClinVar contains an entry for this variant (Variation ID: 920374). This variant has not been reported in the literature in individuals affected with FBN1-related conditions. This variant is present in population databases (rs531751210, gnomAD 0.02%). This sequence change replaces glycine, which is neutral and non-polar, with alanine, which is neutral and non-polar, at codon 1426 of the FBN1 protein (p.Gly1426Ala). Advanced modeling of protein sequence and biophysical properties (such as structural, functional, and spatial information, amino acid conservation, physicochemical variation, residue mobility, and thermodynamic stability) performed at Invitae indicates that this missense variant is expected to disrupt FBN1 protein function. In summary, the available evidence is currently insufficient to determine the role of this variant in disease. Therefore, it has been classified as a Variant of Uncertain Significance.

Color Diagnostics, LLC DBA Color Health
Classification: Uncertain significance for Familial thoracic aortic aneurysm and aortic dissection. Last evaluated: 2021-06-15. Review status: criteria provided, single submitter. Criteria: ACMG Guidelines, 2015. Collection method: clinical testing. Allele origin: germline.
Comment: Variant of Uncertain Significance due to insufficient evidence: This missense variant is located in the calcium-binding EGF-like motif 24 of the FBN1 protein. Computational prediction tools and conservation analyses suggest that this variant may have deleterious impact on the protein function. Computational splicing tools suggest that this variant may not impact RNA splicing. To our knowledge, functional assays have not been performed for this variant nor has this variant been reported in individuals affected with cardiovascular disorders in the literature. This variant has been identified in 6/277170 chromosomes in the general population by the Genome Aggregation Database (gnomAD). Available evidence is insufficient to determine the pathogenicity of this variant conclusively.